The following is an entry in ClinVar:

ClinVar aggregate classification (germline): Uncertain significance (1 of 4 stars; one submission).

Conditions:
Inborn genetic diseases. Identifiers: MedGen C0950123, MeSH D030342.

Submission:

Ambry Genetics
Classification: Uncertain significance for Inborn genetic diseases. Last evaluated: 2025-12-02. Review status: criteria provided, single submitter. Criteria: Ambry Variant Classification Scheme 2023. Collection method: clinical testing. Allele origin: germline.
Comment: The p.Y319N variant (also known as c.955T>A), located in coding exon 5 of the RECQL4 gene, results from a T to A substitution at nucleotide position 955. The tyrosine at codon 319 is replaced by asparagine, an amino acid with dissimilar properties. This amino acid position is conserved. In addition, the in silico prediction for this alteration is inconclusive. Based on the available evidence, the clinical significance of this variant remains unclear.

NM_004260.4(RECQL4):c.955T>A (p.Tyr319Asn)

Gene: RECQL4 (RecQ like helicase 4; minus strand). Cytogenetic location: 8q24.3.
Variant type: single nucleotide variant.
Coding change: c.955T>A on transcript NM_004260.4 (MANE Select); coding-DNA position 955, T replaced by A.
Protein change: p.Tyr319Asn; replaces tyrosine 319 with asparagine.
Molecular consequence: missense variant. On other transcripts: 5 prime UTR variant (16), non-coding transcript variant (3), splice donor variant (3).
Genome position (GRCh38, 1-based): chr8:144,516,164, A>T on the plus strand (T>A on the coding strand, the complement: RECQL4 is on the minus strand). VCF-style: chr8-144516164-A-T. GRCh37 (hg19) VCF-style: chr8-145741548-A-T.
Other names: c.955T>A, p.Tyr319Asn (NM_001413018.1, NM_001413019.1, NM_001413033.1 and 2 more transcripts); c.-117T>A (NM_001413021.1, NM_001413022.1, NM_001413023.1 and 7 more transcripts); c.826T>A, p.Tyr276Asn (NM_001413025.1); c.-179T>A (NM_001413027.1, NM_001413030.1, NM_001413031.1 and 2 more transcripts); c.604T>A, p.Tyr202Asn (NM_001413029.1); c.-386T>A (NM_001413043.1); c.953+2T>A (NM_001413017.1, NM_001413020.1); c.-23+2T>A (NM_001413034.1); short protein forms Y276N, Y202N, Y319N.
Identifiers: ClinVar variation 4628987 (VCV004628987.1).